The following is an entry in ClinVar:

NM_000501.4(ELN):c.1358-235G>A

Gene: ELN (elastin; plus strand). Cytogenetic location: 7q11.23.
Variant type: single nucleotide variant.
Coding change: c.1358-235G>A on transcript NM_000501.4 (MANE Select); 235 bases into the intron before coding-DNA position 1358, G replaced by A.
Molecular consequence: intron variant. On other transcripts: missense variant (1).
Genome position (GRCh38, 1-based): chr7:74,057,405, G>A. VCF-style: chr7-74057405-G-A. GRCh37 (hg19) VCF-style: chr7-73471735-G-A.
Other names: c.1381G>A, p.Gly461Ser (NM_001278939.2); c.1373-235G>A (NM_001081754.3); c.1372+692G>A (NM_001081753.3); c.1358-235G>A (NM_001278915.2, NM_001278912.2); c.1357+692G>A (NM_001081755.3); c.1315+692G>A (NM_001278916.2); c.1171+692G>A (NM_001278913.2); c.1342+692G>A (NM_001278914.2); and 3 more; short protein forms G461S.
Identifiers: ClinVar variation 970386 (VCV000970386.10), dbSNP rs1293346828, ClinGen allele CA367882354.

ClinVar aggregate classification (germline): Uncertain significance (1 of 4 stars; one submission).

Conditions:
Supravalvar aortic stenosis (SVAS). Also called: Supravalvar aortic stenosis, Eisenberg type. Identifiers: Orphanet 3193, MedGen C0003499, MONDO:0008504, OMIM 185500, HP:0004381.

Allele frequency attached by ClinVar (database versions not stated): gnomAD exomes below 0.00001 and 0.00001; TOPMed 0.00002.
gnomAD v4.1: 1 of 1,511,580 alleles (0.000066%); highest among the groups gnomAD compares: African/African-American, 0.0014%; no homozygotes.

Submission:

Labcorp Genetics (formerly Invitae), Labcorp
Classification: Uncertain significance for Supravalvar aortic stenosis. Last evaluated: 2022-07-19. Review status: criteria provided, single submitter. Criteria: Invitae Variant Classification Sherloc (09022015). Collection method: clinical testing. Allele origin: germline.
Comment: ClinVar contains an entry for this variant (Variation ID: 970386). This sequence change replaces glycine, which is neutral and non-polar, with serine, which is neutral and polar, at codon 461 of the ELN protein (p.Gly461Ser). This variant is present in population databases (no rsID available, gnomAD 0.008%). This variant has not been reported in the literature in individuals affected with ELN-related conditions. Algorithms developed to predict the effect of missense changes on protein structure and function are either unavailable or do not agree on the potential impact of this missense change (SIFT: "Tolerated"; PolyPhen-2: "Not Available"; Align-GVGD: "Class C0"). In summary, the available evidence is currently insufficient to determine the role of this variant in disease. Therefore, it has been classified as a Variant of Uncertain Significance.